The following is an entry in ClinVar:

ClinVar aggregate classification (germline): Uncertain significance (1 of 4 stars; one submission).

Submission:

Labcorp Genetics (formerly Invitae), Labcorp
Classification: Uncertain significance. Last evaluated: 2024-10-17. Review status: criteria provided, single submitter. Criteria: Invitae Variant Classification Sherloc (09022015). Collection method: clinical testing. Allele origin: germline.
Comment: This sequence change replaces asparagine, which is neutral and polar, with serine, which is neutral and polar, at codon 98 of the NR2E3 protein (p.Asn98Ser). This variant is not present in population databases (gnomAD no frequency). This variant has not been reported in the literature in individuals affected with NR2E3-related conditions. Invitae Evidence Modeling of protein sequence and biophysical properties (such as structural, functional, and spatial information, amino acid conservation, physicochemical variation, residue mobility, and thermodynamic stability) has been performed for this missense variant. However, the output from this modeling did not meet the statistical confidence thresholds required to predict the impact of this variant on NR2E3 protein function. In summary, the available evidence is currently insufficient to determine the role of this variant in disease. Therefore, it has been classified as a Variant of Uncertain Significance.

NM_014249.4(NR2E3):c.293A>G (p.Asn98Ser)

Gene: NR2E3 (nuclear receptor subfamily 2 group E member 3; plus strand). Cytogenetic location: 15q23.
Variant type: single nucleotide variant.
Coding change: c.293A>G on transcript NM_014249.4 (MANE Select); coding-DNA position 293, A replaced by G.
Protein change: p.Asn98Ser; replaces asparagine 98 with serine.
Molecular consequence: missense variant.
Genome position (GRCh38, 1-based): chr15:71,811,813, A>G. VCF-style: chr15-71811813-A-G. GRCh37 (hg19) VCF-style: chr15-72104153-A-G.
Other names: c.293A>G, p.Asn98Ser (NM_016346.4); short protein forms N98S.
Identifiers: ClinVar variation 3726802 (VCV003726802.2).
Genomic context (GRCh38, chr15:71,811,813, plus strand): 5'-TCTTCACCTGCAGGTGCCAGGTGGGGGCAGGGATGTGCCCCGTGGACAAGGCCCACCGCA[A>G]CCAGTGCCAGGCCTGCCGGCTGAAGAAGTGCCTGCAGGCGGGGATGAACCAGGACGGTGA-3'
Protein context (NP_055064.1, residues 88-108): GMCPVDKAHR[Asn98Ser]QCQACRLKKC